The following is an entry in ClinVar:

ClinVar aggregate classification (germline): Uncertain significance. Review status: criteria provided, multiple submitters, no conflicts (2 of 4 stars). 3 submissions from 3 submitters: Uncertain significance (3). Last evaluated 2025-10-29.

Conditions:
Myofibrillar myopathy 5. Also called: Filaminopathy (type); FILAMINOPATHY, AUTOSOMAL DOMINANT. Identifiers: Orphanet 171445, MedGen C1836050, MONDO:0012289, OMIM 609524.
Dilated Cardiomyopathy, Dominant.
Hypertrophic cardiomyopathy 26. Also called: Cardiomyopathy, familial hypertrophic, 26. Identifiers: Orphanet 75249, MedGen C4310749, MONDO:0014883, OMIM 617047.
Distal myopathy with posterior leg and anterior hand involvement. Also called: WILLIAMS DISTAL MYOPATHY. Identifiers: Orphanet 63273, MedGen C3279722, MONDO:0013550, OMIM 614065.
FLNC-related disorder. Also called: FLNC-related disorders; FLNC-related condition.
Cardiovascular phenotype. Identifiers: MedGen CN230736.

Allele frequency attached by ClinVar (database versions not stated): ExAC 0.00001; gnomAD 0.00001; gnomAD exomes 0.00001; TOPMed 0.00003.
gnomAD v4.1: 13 of 1,613,056 alleles (0.00081%); highest among the groups gnomAD compares: Non-Finnish European, 0.001%; no homozygotes.

Submissions (3):

Ambry Genetics
Classification: Uncertain significance for Cardiovascular phenotype. Last evaluated: 2025-10-29. Review status: criteria provided, single submitter. Criteria: Ambry Variant Classification Scheme 2023. Collection method: clinical testing. Allele origin: germline.

PreventionGenetics, part of Exact Sciences
Classification: Uncertain significance for FLNC-related condition. Last evaluated: 2025-10-01. Review status: criteria provided, single submitter. Criteria: ACMG Guidelines, 2015. Collection method: clinical testing. Allele origin: germline.
Comment: The FLNC c.6590G>A variant is predicted to result in the amino acid substitution p.Arg2197Gln. To our knowledge, this variant has not been reported in the literature. This variant is reported in 0.0018% of alleles in individuals of European (Non-Finnish) descent in gnomAD. An alternate nucleotide change affecting the same amino acid (p.Arg2197Trp) has been reported as a variant of uncertain significance in a cohort study of individuals with hypertrophic cardiomyopathy (Table 4S, Restrepo-Cordoba et al. 2017. PubMed ID: 28138913) and in the homozygous state in an individual with restrictive cardiomyopathy (Table 1, Al-Hassnan et al. 2020. PubMed ID: 32870709). At this time, the clinical significance of the c.6590G>A (p.Arg2197Gln) variant is uncertain due to the absence of conclusive functional and genetic evidence.

Labcorp Genetics (formerly Invitae), Labcorp
Classification: Uncertain significance for Distal myopathy with posterior leg and anterior hand involvement; Myofibrillar myopathy 5; Hypertrophic cardiomyopathy 26. Last evaluated: 2024-03-10. Review status: criteria provided, single submitter. Criteria: Invitae Variant Classification Sherloc (09022015). Collection method: clinical testing. Allele origin: germline.
Comment: This sequence change replaces arginine, which is basic and polar, with glutamine, which is neutral and polar, at codon 2197 of the FLNC protein (p.Arg2197Gln). This variant is present in population databases (rs760535041, gnomAD 0.002%). This variant has not been reported in the literature in individuals affected with FLNC-related conditions. ClinVar contains an entry for this variant (Variation ID: 658010). An algorithm developed to predict the effect of missense changes on protein structure and function (PolyPhen-2) suggests that this variant¬¨‚Ä†is likely to be tolerated. In summary, the available evidence is currently insufficient to determine the role of this variant in disease. Therefore, it has been classified as a Variant of Uncertain Significance.

NM_001458.5(FLNC):c.6590G>A (p.Arg2197Gln)

Genes: FLNC (filamin C; plus strand), FLNC-AS1 (FLNC antisense RNA 1; minus strand). Cytogenetic location: 7q32.1.
Variant type: single nucleotide variant.
Coding change: c.6590G>A on transcript NM_001458.5 (MANE Select); coding-DNA position 6590, G replaced by A.
Protein change: p.Arg2197Gln; replaces arginine 2197 with glutamine.
Molecular consequence: missense variant.
Genome position (GRCh38, 1-based): chr7:128,854,079, G>A. VCF-style: chr7-128854079-G-A. GRCh37 (hg19) VCF-style: chr7-128494133-G-A.
Other names: c.6491G>A, p.Arg2164Gln (NM_001127487.2); short protein forms R2164Q, R2197Q.
Identifiers: ClinVar variation 658010 (VCV000658010.16), dbSNP rs760535041, ClinGen allele CA4476024.